The following is an entry in ClinVar:

ClinVar aggregate classification (germline): Uncertain significance (1 of 4 stars; one submission).

Conditions:
Muscle AMP deaminase deficiency (MMDD). Also called: AMPD1 DEFICIENCY; ADENOSINE MONOPHOSPHATE DEAMINASE-1 DEFICIENCY, MYOPATHY DUE TO; Myoadenylate deaminase deficiency, myopathy due to; Adenosine monophosphate deaminase 1 deficiency; AMP deaminase 1 deficiency; Adenosine Monophosphate Deaminase 1. Identifiers: Orphanet 45, MedGen C3714933, MONDO:0014220, OMIM 615511.

Allele frequency attached by ClinVar (database versions not stated): gnomAD exomes below 0.00001; gnomAD 0.00001.
gnomAD v4.1: 8 of 1,614,016 alleles (0.0005%); highest among the groups gnomAD compares: South Asian, 0.0044%; no homozygotes.

Submission:

Labcorp Genetics (formerly Invitae), Labcorp
Classification: Uncertain significance for Muscle AMP deaminase deficiency. Last evaluated: 2021-12-17. Review status: criteria provided, single submitter. Criteria: Invitae Variant Classification Sherloc (09022015). Collection method: clinical testing. Allele origin: germline.
Comment: In summary, the available evidence is currently insufficient to determine the role of this variant in disease. Therefore, it has been classified as a Variant of Uncertain Significance. Algorithms developed to predict the effect of missense changes on protein structure and function (SIFT, PolyPhen-2, Align-GVGD) all suggest that this variant is likely to be disruptive. This variant has not been reported in the literature in individuals affected with AMPD1-related conditions. This variant is present in population databases (no rsID available, gnomAD 0.003%). This sequence change replaces proline, which is neutral and non-polar, with leucine, which is neutral and non-polar, at codon 561 of the AMPD1 protein (p.Pro561Leu).

NM_000036.3(AMPD1):c.1583C>T (p.Pro528Leu)

Gene: AMPD1 (adenosine monophosphate deaminase 1; minus strand). Cytogenetic location: 1p13.2.
Variant type: single nucleotide variant.
Coding change: c.1583C>T on transcript NM_000036.3 (MANE Select); coding-DNA position 1583, C replaced by T.
Protein change: p.Pro528Leu; replaces proline 528 with leucine.
Molecular consequence: missense variant.
Genome position (GRCh38, 1-based): chr1:114,675,626, G>A on the plus strand (C>T on the coding strand, the complement: AMPD1 is on the minus strand). VCF-style: chr1-114675626-G-A. GRCh37 (hg19) VCF-style: chr1-115218247-G-A.
Other names: c.1571C>T, p.Pro524Leu (NM_001172626.2); short protein forms P528L, P524L.
Identifiers: ClinVar variation 2043488 (VCV002043488.4), dbSNP rs1305122911, ClinGen allele CA341746907.